The following is an entry in ClinVar:

NM_000138.5(FBN1):c.5848A>G (p.Thr1950Ala)

Gene: FBN1 (fibrillin 1; minus strand). Cytogenetic location: 15q21.1.
Variant type: single nucleotide variant.
Coding change: c.5848A>G on transcript NM_000138.5 (MANE Select); coding-DNA position 5848, A replaced by G.
Protein change: p.Thr1950Ala; replaces threonine 1950 with alanine.
Molecular consequence: missense variant.
Genome position (GRCh38, 1-based): chr15:48,445,445, T>C on the plus strand (A>G on the coding strand, the complement: FBN1 is on the minus strand). VCF-style: chr15-48445445-T-C. GRCh37 (hg19) VCF-style: chr15-48737642-T-C.
Other names: c.5848A>G, p.Thr1950Ala (NM_001406716.1); short protein forms T1950A.
Identifiers: ClinVar variation 3074354 (VCV003074354.1), dbSNP rs2505455478, ClinGen allele CA392340072.

ClinVar aggregate classification (germline): Uncertain significance (1 of 4 stars; one submission).

Conditions:
Marfan syndrome (MFS). Also called: MARFAN SYNDROME, TYPE I; Marfan syndrome type 1; Marfan's syndrome; Marfan syndrome, classic; FBN1-Related Marfan Syndrome. Identifiers: Orphanet 284963, Orphanet 558, MedGen C0024796, MONDO:0007947, OMIM 154700.

Allele frequency attached by ClinVar (database versions not stated): gnomAD exomes below 0.00001.
gnomAD v4.1: 2 of 1,612,504 alleles (0.00012%); highest among the groups gnomAD compares: Non-Finnish European, 0.00017%; no homozygotes.

Submission:

All of Us Research Program, National Institutes of Health
Classification: Uncertain significance for Marfan syndrome. Last evaluated: 2023-11-02. Review status: criteria provided, single submitter. Criteria: ACMG Guidelines, 2015. Collection method: clinical testing. Allele origin: germline. Inheritance: Autosomal dominant inheritance. Observed: 1 variant allele, 1 heterozygote.
Comment: This missense variant replaces threonine with alanine at codon 1950 of the FBN1 protein. Computational prediction suggests that this variant may not impact protein structure and function (internally defined REVEL score threshold <= 0.5, PMID: 27666373). To our knowledge, functional studies have not been reported for this variant. This variant has not been reported in individuals affected with FBN1-related disorders in the literature. This variant has not been identified in the general population by the Genome Aggregation Database (gnomAD). The available evidence is insufficient to determine the role of this variant in disease conclusively. Therefore, this variant is classified as a Variant of Uncertain Significance.

This study involves interpretation of variants in research participants for the purpose of population health screening. Participant phenotype was not available at the time of variant classification. Additional details can be found in publication PMID: 35346344, PMCID: PMC8962531